The following is an entry in ClinVar:

ClinVar aggregate classification (germline): Benign (1 of 4 stars; one submission).

gnomAD v4.1: 97 of 1,610,904 alleles (0.006%); highest among the groups gnomAD compares: Admixed American, 0.089%; no homozygotes.

Submission:

Women's Health and Genetics/Laboratory Corporation of America, LabCorp
Classification: Benign. Last evaluated: 2026-03-18. Review status: criteria provided, single submitter. Criteria: LabCorp Variant Classification Summary - May 2015. Collection method: clinical testing. Allele origin: germline.
Comment: Variant summary: CERT1 c.841-12T>G alters a nucleotide located at a position not widely known to affect splicing. Consensus agreement among computation tools predict no significant impact on normal splicing. However, these predictions have yet to be confirmed by functional studies. The variant allele was found at a frequency of 0.00011 in 279204 control chromosomes. The observed variant frequency exceeds the estimated maximal expected allele frequency for disease-causing variants in CERT1. To our knowledge, no occurrence of c.841-12T>G in individuals affected with CERT1-related conditions and no experimental evidence demonstrating its impact on protein function have been reported. No submitters have cited clinical-significance assessments for this variant to ClinVar. Based on the evidence outlined above, the variant was classified as benign.

NM_001379029.1(CERT1):c.457-12T>G

Gene: CERT1 (ceramide transporter 1; minus strand). Cytogenetic location: 5q13.3.
Variant type: single nucleotide variant.
Coding change: c.457-12T>G on transcript NM_001379029.1 (MANE Select); 12 bases into the intron before coding-DNA position 457, T replaced by G.
Molecular consequence: intron variant.
Genome position (GRCh38, 1-based): chr5:75,425,511, A>C on the plus strand (T>G on the coding strand, the complement: CERT1 is on the minus strand). VCF-style: chr5-75425511-A-C. GRCh37 (hg19) VCF-style: chr5-74721336-A-C.
Other names: c.457-12T>G (NM_001379003.1, NM_031361.3, NM_001379002.1 and 2 more transcripts); c.841-12T>G (NM_001130105.1).
Identifiers: ClinVar variation 4847113 (VCV004847113.1).
Genomic context (GRCh38, chr5:75,425,511, plus strand): 5'-CTCTAAATGTTTCCATTTCAGCCAACTTCTCACGTAAACTGTGGCCTTTCTGCAAAACAT[A>C]AAATAGGGGGATGTAATTCAAGTAAAACAAAACTGGATTTCATGTGGTCCTATGGTATTT-3'